The following is an entry in ClinVar:

ClinVar aggregate classification (germline): Conflicting classifications of pathogenicity. Review status: criteria provided, conflicting classifications (1 of 4 stars). 3 submissions from 3 submitters: Uncertain significance (2); Likely benign (1). Last evaluated 2024-04-05.

Conditions:
Hereditary cancer-predisposing syndrome. Also called: Hereditary Cancer Syndrome; Hereditary neoplastic syndrome; Neoplastic Syndromes, Hereditary; Tumor predisposition. Identifiers: Orphanet 140162, MedGen C0027672, MeSH D009386, MONDO:0015356.
Hereditary breast ovarian cancer syndrome. Also called: Hereditary breast and ovarian cancer syndrome (HBOC); Hereditary breast and ovarian cancer syndrome; Breast and ovarian cancer; Hereditary breast and/or ovarian cancer syndrome; Hereditary breast and ovarian cancer; BRCA1- and BRCA2-Associated Hereditary Breast and Ovarian Cancer. Identifiers: Orphanet 145, MedGen C0677776, MeSH D061325, MONDO:0003582. Disease mechanism: loss of function.

Submissions (3):

Labcorp Genetics (formerly Invitae), Labcorp
Classification: Uncertain significance for Hereditary breast ovarian cancer syndrome. Last evaluated: 2024-04-05. Review status: criteria provided, single submitter. Criteria: Invitae Variant Classification Sherloc (09022015). Collection method: clinical testing. Allele origin: germline.
Comment: This sequence change replaces alanine, which is neutral and non-polar, with valine, which is neutral and non-polar, at codon 1588 of the BRCA2 protein (p.Ala1588Val). This variant is not present in population databases (gnomAD no frequency). This variant has not been reported in the literature in individuals affected with BRCA2-related conditions. ClinVar contains an entry for this variant (Variation ID: 1742909). Advanced modeling of protein sequence and biophysical properties (such as structural, functional, and spatial information, amino acid conservation, physicochemical variation, residue mobility, and thermodynamic stability) performed at Invitae indicates that this missense variant is not expected to disrupt BRCA2 protein function with a negative predictive value of 95%. In summary, the available evidence is currently insufficient to determine the role of this variant in disease. Therefore, it has been classified as a Variant of Uncertain Significance.

University of Washington Department of Laboratory Medicine, University of Washington
Classification: Likely benign for Hereditary cancer-predisposing syndrome. Last evaluated: 2023-03-23. Review status: criteria provided, single submitter. Criteria: Dines et al. (Genet Med. 2020). Collection method: curation. Allele origin: germline.
Comment: Missense variant in a coldspot region where missense variants are very unlikely to be pathogenic (PMID:31911673).

BRCA2 exon 11 coldspot. Reclassification based on statistical prior probability.

Ambry Genetics
Classification: Uncertain significance for Hereditary cancer-predisposing syndrome. Last evaluated: 2020-02-19. Review status: criteria provided, single submitter. Criteria: Ambry Variant Classification Scheme 2023. Collection method: clinical testing. Allele origin: germline.
Comment: The p.A1588V variant (also known as c.4763C>T), located in coding exon 10 of the BRCA2 gene, results from a C to T substitution at nucleotide position 4763. The alanine at codon 1588 is replaced by valine, an amino acid with similar properties. This amino acid position is not well conserved in available vertebrate species, and valine is the reference amino acid in other vertebrate species. In addition, this alteration is predicted to be tolerated by in silico analysis. Since supporting evidence is limited at this time, the clinical significance of this alteration remains unclear.

NM_000059.4(BRCA2):c.4763C>T (p.Ala1588Val)

Gene: BRCA2 (BRCA2 DNA repair associated; plus strand). Cytogenetic location: 13q13.1.
Variant type: single nucleotide variant.
Coding change: c.4763C>T on transcript NM_000059.4 (MANE Select); coding-DNA position 4763, C replaced by T.
Protein change: p.Ala1588Val; replaces alanine 1588 with valine.
Molecular consequence: missense variant.
Genome position (GRCh38, 1-based): chr13:32,339,118, C>T. VCF-style: chr13-32339118-C-T. GRCh37 (hg19) VCF-style: chr13-32913255-C-T.
Other names: c.4763C>T, p.Ala1588Val (NM_001406719.1, NM_001406720.1); short protein forms A1588V.
Identifiers: ClinVar variation 1742909 (VCV001742909.7), dbSNP rs2137509940, ClinGen allele CA387783139.